The following is an entry in ClinVar:

NM_006393.3(NEBL):c.2303C>A (p.Pro768His)

Gene: NEBL (nebulette; minus strand). Cytogenetic location: 10p12.31.
Variant type: single nucleotide variant.
Coding change: c.2303C>A on transcript NM_006393.3 (MANE Select); coding-DNA position 2303, C replaced by A.
Protein change: p.Pro768His; replaces proline 768 with histidine.
Molecular consequence: missense variant. On other transcripts: intron variant (9).
Genome position (GRCh38, 1-based): chr10:20,813,982, G>T on the plus strand (C>A on the coding strand, the complement: NEBL is on the minus strand). VCF-style: chr10-20813982-G-T. GRCh37 (hg19) VCF-style: chr10-21102911-G-T.
Other names: c.250-1042C>A (NM_001377326.1, NM_001377327.1, NM_001377328.1); c.358-1042C>A (NM_213569.2, NM_001173484.2, NM_001377322.1); c.301-1042C>A (NM_001377324.1); c.292-1042C>A (NM_001377325.1); c.310-1042C>A (NM_001377323.1); short protein forms P768H.
Identifiers: ClinVar variation 3878610 (VCV003878610.1).

ClinVar aggregate classification (germline): Uncertain significance (1 of 4 stars; one submission).

gnomAD v4.1: 3 of 1,610,950 alleles (0.00019%); highest among the groups gnomAD compares: Non-Finnish European, 0.00025%; no homozygotes.

Submission:

Ambry Genetics
Classification: Uncertain significance. Last evaluated: 2024-12-13. Review status: criteria provided, single submitter. Criteria: Ambry Variant Classification Scheme 2023. Collection method: clinical testing. Allele origin: germline.
Comment: The p.P768H variant (also known as c.2303C>A), located in coding exon 23 of the NEBL gene, results from a C to A substitution at nucleotide position 2303. The proline at codon 768 is replaced by histidine, an amino acid with similar properties. This amino acid position is conserved. In addition, the in silico prediction for this alteration is inconclusive. Based on the available evidence, the clinical significance of this variant remains unclear.